The following is an entry in ClinVar:

NM_001267550.2(TTN):c.15686A>C (p.Asp5229Ala)

Gene: TTN (titin; minus strand). Cytogenetic location: 2q31.2.
Variant type: single nucleotide variant.
Coding change: c.15686A>C on transcript NM_001267550.2 (MANE Select); coding-DNA position 15686, A replaced by C.
Protein change: p.Asp5229Ala; replaces aspartic acid 5229 with alanine.
Molecular consequence: missense variant. On other transcripts: intron variant (3).
Genome position (GRCh38, 1-based): chr2:178,733,703, T>G on the plus strand (A>C on the coding strand, the complement: TTN is on the minus strand). VCF-style: chr2-178733703-T-G. GRCh37 (hg19) VCF-style: chr2-179598430-T-G.
Other names: c.14735A>C, p.Asp4912Ala (NM_001256850.1); c.11954A>C, p.Asp3985Ala (NM_133378.4); c.13282+4379A>C (NM_003319.4); c.13858+4379A>C (NM_133437.4); c.13657+4379A>C (NM_133432.3); short protein forms D3985A, D4912A, D5229A.
Identifiers: ClinVar variation 2437569 (VCV002437569.4), dbSNP rs373355675, ClinGen allele CA2002182.

ClinVar aggregate classification (germline): Uncertain significance. Review status: criteria provided, multiple submitters, no conflicts (2 of 4 stars). 2 submissions from 2 submitters: Uncertain significance (2). Last evaluated 2025-11-03.

Conditions:
TTN-related disorder. Also called: TTN-related condition; TTN-related disease; TTN-related disorders.

Allele frequency attached by ClinVar (database versions not stated): gnomAD exomes below 0.00001; ExAC 0.00001; gnomAD 0.00001; TOPMed 0.00003; ESP Exome Variant Server 0.00017.
gnomAD v4.1: 3 of 1,613,756 alleles (0.00019%); highest among the groups gnomAD compares: African/African-American, 0.004%; no homozygotes.

Submissions (2):

PreventionGenetics, part of Exact Sciences
Classification: Uncertain significance for TTN-related condition. Last evaluated: 2025-11-03. Review status: criteria provided, single submitter. Criteria: ACMG Guidelines, 2015. Collection method: clinical testing. Allele origin: germline.
Comment: The TTN c.15686A>C variant is predicted to result in the amino acid substitution p.Asp5229Ala. To our knowledge, this variant has not been reported in the literature. This variant is reported in 0.0065% of alleles in individuals of African descent in gnomAD. At this time, the clinical significance of this variant is uncertain due to the absence of conclusive functional and genetic evidence.

Revvity Omics, Revvity
Classification: Uncertain significance. Last evaluated: 2022-04-13. Review status: criteria provided, single submitter. Criteria: ACMG Guidelines, 2015. Collection method: clinical testing. Allele origin: germline.